The following is an entry in ClinVar:

ClinVar aggregate classification (germline): Uncertain significance (1 of 4 stars; one submission).

Submission:

GeneDx
Classification: Uncertain significance. Last evaluated: 2024-05-14. Review status: criteria provided, single submitter. Criteria: GeneDx Variant Classification Process June 2021. Collection method: clinical testing. Allele origin: germline. Affected: yes.
Comment: Not observed at significant frequency in large population cohorts (gnomAD); In silico analysis supports that this missense variant has a deleterious effect on protein structure/function; Has not been previously published as pathogenic or benign to our knowledge

NM_181552.4(CUX1):c.956A>T (p.Asn319Ile)

Gene: CUX1 (cut like homeobox 1; plus strand). Cytogenetic location: 7q22.1.
Variant type: single nucleotide variant.
Coding change: c.956A>T on transcript NM_181552.4 (MANE Select); coding-DNA position 956, A replaced by T.
Protein change: p.Asn319Ile; replaces asparagine 319 with isoleucine.
Molecular consequence: missense variant.
Genome position (GRCh38, 1-based): chr7:102,178,596, A>T. VCF-style: chr7-102178596-A-T. GRCh37 (hg19) VCF-style: chr7-101821876-A-T.
Other names: c.989A>T, p.Asn330Ile (NM_001202543.2, NM_001913.5); c.941A>T, p.Asn314Ile (NM_001202544.3); c.851A>T, p.Asn284Ile (NM_001202545.3); c.872A>T, p.Asn291Ile (NM_001202546.3); c.983A>T, p.Asn328Ile (NM_181500.4); short protein forms N284I, N291I, N314I, N319I, N328I, N330I.
Identifiers: ClinVar variation 3378255 (VCV003378255.1).